The following is an entry in ClinVar:

ClinVar aggregate classification (germline): Uncertain significance (1 of 4 stars; one submission).

Submission:

Labcorp Genetics (formerly Invitae), Labcorp
Classification: Uncertain significance. Last evaluated: 2023-12-11. Review status: criteria provided, single submitter. Criteria: Invitae Variant Classification Sherloc (09022015). Collection method: clinical testing. Allele origin: germline.
Comment: This sequence change falls in intron 34 of the NUP205 gene. It does not directly change the encoded amino acid sequence of the NUP205 protein. It affects a nucleotide within the consensus splice site. This variant is present in population databases (rs765414822, gnomAD 0.1%). This variant has not been reported in the literature in individuals affected with NUP205-related conditions. ClinVar contains an entry for this variant (Variation ID: 2144573). Variants that disrupt the consensus splice site are a relatively common cause of aberrant splicing (PMID: 17576681, 9536098). Algorithms developed to predict the effect of sequence changes on RNA splicing suggest that this variant may disrupt the consensus splice site. In summary, the available evidence is currently insufficient to determine the role of this variant in disease. Therefore, it has been classified as a Variant of Uncertain Significance.

Literature cited by the submitters: PubMed 17576681; PubMed 9536098.

NM_015135.3(NUP205):c.4932+4dup

Gene: NUP205 (nucleoporin 205; plus strand). Cytogenetic location: 7q33.
Variant type: Duplication.
Coding change: c.4932+4dup on transcript NM_015135.3 (MANE Select); 4 bases into the intron after coding-DNA position 4932, one base duplicated (A; older notation c.4932+4dupA).
Molecular consequence: intron variant.
Genome position (GRCh38, 1-based): chr7:135,628,115, A duplicated; the last of 2 consecutive A bases (chr7:135,628,114-135,628,115); duplicating either gives the same sequence. VCF-style (leftmost placement, unchanged base first): chr7-135628113-T-TA. GRCh37 (hg19) VCF-style: chr7-135312861-T-TA.
Other names: c.3858+4dup (NM_001329434.2).
Identifiers: ClinVar variation 2144573 (VCV002144573.3), dbSNP rs765414822, ClinGen allele CA4499021.